The following is an entry in ClinVar:

NM_001308330.2(STXBP5L):c.2110+2378C>T

Gene: STXBP5L (syntaxin binding protein 5L; plus strand). Cytogenetic location: 3q13.33.
Variant type: single nucleotide variant.
Coding change: c.2110+2378C>T on transcript NM_001308330.2 (MANE Select); 2378 bases into the intron after coding-DNA position 2110, C replaced by T.
Molecular consequence: intron variant. On other transcripts: nonsense (2), non-coding transcript variant (1).
Genome position (GRCh38, 1-based): chr3:121,282,334, C>T. VCF-style: chr3-121282334-C-T. GRCh37 (hg19) VCF-style: chr3-121001181-C-T.
Other names: c.2179C>T, p.Gln727Ter (NM_001348343.2, NM_014980.3); c.2110+2378C>T (NM_001348345.2, NM_001348344.2); short protein forms Q727*.
Identifiers: ClinVar variation 3771988 (VCV003771988.13).

ClinVar aggregate classification (germline): Uncertain significance (1 of 4 stars; one submission).

gnomAD v4.1: 10 of 1,610,994 alleles (0.00062%); highest among the groups gnomAD compares: South Asian, 0.011%; no homozygotes.

Submission:

CeGaT Center for Human Genetics Tuebingen
Classification: Uncertain significance. Last evaluated: 2024-12-01. Review status: criteria provided, single submitter. Criteria: CeGaT Center For Human Genetics Tuebingen Variant Classification Criteria Version 2. Collection method: clinical testing. Allele origin: germline. Affected: yes. Observed: 1 variant allele.
Comment: STXBP5L: PM2